The following is an entry in ClinVar:

NM_000536.4(RAG2):c.882CAA[1] (p.Asn295del)

Gene: RAG2 (recombination activating 2; minus strand). Cytogenetic location: 11p12.
Variant type: Microsatellite.
Coding change: c.882CAA[1] on transcript NM_000536.4 (MANE Select); one copy of the 3-base unit CAA starting at c.882; the reference has two copies in a row; one copy, 3 bases deleted.
Protein change: p.Asn295del; deletes asparagine 295.
Molecular consequence: inframe deletion.
Genome position (GRCh38, 1-based): chr11:36,593,282-36,593,284, TTG deleted on the plus strand (CAA on the coding strand, the reverse complement: RAG2 is on the minus strand); deleting any 3 consecutive bases within chr11:36,593,282-36,593,288 gives the same sequence; the position shown is the placement nearest the transcript's 3' end. VCF-style (leftmost placement, unchanged base first): chr11-36593281-CTTG-C. GRCh37 (hg19) VCF-style: chr11-36614831-CTTG-C.
Other names: c.882CAA[1], p.Asn295del (NM_001243785.2, NM_001243786.2); short protein forms N295del.
Identifiers: ClinVar variation 5003408 (VCV005003408.1).

ClinVar aggregate classification (germline): Uncertain significance (1 of 4 stars; one submission).

Conditions:
Recombinase activating gene 2 deficiency. Also called: RAG2 deficiency. Identifiers: MedGen CN257931, MONDO:0000573.

Submission:

Myriad Genetics, Inc.
Classification: Uncertain significance for Recombinase activating gene 2 deficiency. Last evaluated: 2025-12-02. Review status: criteria provided, single submitter. Criteria: Myriad Autosomal Dominant, Autosomal Recessive and X-Linked Classification Criteria (2023). Collection method: clinical testing. Allele origin: unknown.
Comment: NM_001243785.1(RAG2):c.885_887delCAA(N295del) is an in-frame deletion classified as a variant of uncertain significance in the context of severe combined immunodeficiency, RAG2-related. N295del has not been observed in cases with relevant disease. Relevant functional assessments of this variant are not available in the literature. N295del has not been observed in referenced population frequency databases. In summary, there is insufficient evidence to classify NM_001243785.1(RAG2):c.885_887delCAA(N295del) as pathogenic or benign. Please note: this variant was assessed in the context of healthy population screening.